The following is an entry in ClinVar:

ClinVar aggregate classification (germline): Uncertain significance. Review status: criteria provided, multiple submitters, no conflicts (2 of 4 stars). 2 submissions from 2 submitters: Uncertain significance (2). Last evaluated 2024-04-15.

Conditions:
Familial cancer of breast. Also called: BREAST CANCER, FAMILIAL; Hereditary breast cancer; hereditary breast carcinoma. Identifiers: Orphanet 227535, MedGen C0346153, MONDO:0016419, OMIM 114480. Disease mechanism: loss of function.

Submissions (2):

Labcorp Genetics (formerly Invitae), Labcorp
Classification: Uncertain significance for Familial cancer of breast. Last evaluated: 2024-04-15. Review status: criteria provided, single submitter. Criteria: Invitae Variant Classification Sherloc (09022015). Collection method: clinical testing. Allele origin: germline.
Comment: This sequence change replaces threonine, which is neutral and polar, with alanine, which is neutral and non-polar, at codon 205 of the CHEK2 protein (p.Thr205Ala). This variant is not present in population databases (gnomAD no frequency). This variant has not been reported in the literature in individuals affected with CHEK2-related conditions. ClinVar contains an entry for this variant (Variation ID: 1051860). An algorithm developed to predict the effect of missense changes on protein structure and function (PolyPhen-2) suggests that this variant is likely to be tolerated. In summary, the available evidence is currently insufficient to determine the role of this variant in disease. Therefore, it has been classified as a Variant of Uncertain Significance.

Mendelics
Classification: Uncertain significance. Last evaluated: 2022-05-04. Review status: criteria provided, single submitter. Criteria: Mendelics Assertion Criteria 2019. Collection method: clinical testing. Allele origin: germline.

NM_007194.4(CHEK2):c.613A>G (p.Thr205Ala)

Gene: CHEK2 (checkpoint kinase 2; minus strand). Cytogenetic location: 22q12.1.
Variant type: single nucleotide variant.
Coding change: c.613A>G on transcript NM_007194.4 (MANE Select); coding-DNA position 613, A replaced by G.
Protein change: p.Thr205Ala; replaces threonine 205 with alanine.
Molecular consequence: missense variant. On other transcripts: 5 prime UTR variant (2), intron variant (1).
Genome position (GRCh38, 1-based): chr22:28,719,465, T>C on the plus strand (A>G on the coding strand, the complement: CHEK2 is on the minus strand). VCF-style: chr22-28719465-T-C. GRCh37 (hg19) VCF-style: chr22-29115453-T-C.
Other names: c.742A>G, p.Thr248Ala (NM_001005735.3, NM_001438294.1); c.-51A>G (NM_001257387.3, NM_001437942.1); c.706A>G, p.Thr236Ala (NM_001438293.1, NM_001438295.1); c.613A>G, p.Thr205Ala (NM_145862.3); c.482+5421A>G (NM_001349956.3); short protein forms T205A, T248A, T236A.
Identifiers: ClinVar variation 1051860 (VCV001051860.12), dbSNP rs587780187, ClinGen allele CA411105117.
Genomic context (GRCh38, chr22:28,719,465, plus strand): 5'-TTTTTGACATGATGTATTCATCTCTTAATGCCTTAGGATAAACTGACTGATCATCTACAG[T>C]CAGATCAAAAAAGACAAAAACTAAGGAAGAAAAGAGTAGAAATGGGTTTCATTAATTTAT-3'
Protein context (NP_009125.1, residues 195-215): RNKVFVFFDL[Thr205Ala]VDDQSVYPKA